The following is an entry in ClinVar:

NM_001283009.2(RTEL1):c.878G>C (p.Gly293Ala)

Genes: RTEL1 (regulator of telomere elongation helicase 1; plus strand), RTEL1-TNFRSF6B (RTEL1-TNFRSF6B readthrough (NMD candidate); plus strand). Cytogenetic location: 20q13.33.
Variant type: single nucleotide variant.
Coding change: c.878G>C on transcript NM_001283009.2 (MANE Select); coding-DNA position 878, G replaced by C.
Protein change: p.Gly293Ala; replaces glycine 293 with alanine.
Molecular consequence: missense variant. On other transcripts: non-coding transcript variant (1).
Genome position (GRCh38, 1-based): chr20:63,674,052, G>C. VCF-style: chr20-63674052-G-C. GRCh37 (hg19) VCF-style: chr20-62305405-G-C.
Other names: c.209G>C, p.Gly70Ala (NM_001283010.1); c.878G>C, p.Gly293Ala (NM_016434.4); c.950G>C, p.Gly317Ala (NM_032957.5); short protein forms G70A, G293A, G317A.
Identifiers: ClinVar variation 4629577 (VCV004629577.1).
Genomic context (GRCh38, chr20:63,674,052, plus strand): 5'-CTTCAGGACTGGACGTCATAGACCAGGTGCTGGAGGAGCAGACCAAGGCAGCGCAGCAGG[G>C]TGAGCCCCACCCGGAGTTCAGCGCGGACTCCCCCAGCCCAGGTGCGTTCATAGCCAGACT-3'
Protein context (NP_001269938.1, residues 283-303): LEEQTKAAQQ[Gly293Ala]EPHPEFSADS

ClinVar aggregate classification (germline): Uncertain significance (1 of 4 stars; one submission).

Conditions:
Inborn genetic diseases. Identifiers: MedGen C0950123, MeSH D030342.

Submission:

Ambry Genetics
Classification: Uncertain significance for Inborn genetic diseases. Last evaluated: 2025-10-27. Review status: criteria provided, single submitter. Criteria: Ambry Variant Classification Scheme 2023. Collection method: clinical testing. Allele origin: germline.
Comment: The p.G293A variant (also known as c.878G>C), located in coding exon 9 of the RTEL1 gene, results from a G to C substitution at nucleotide position 878. The glycine at codon 293 is replaced by alanine, an amino acid with similar properties. This amino acid position is conserved. In addition, this alteration is predicted to be tolerated by in silico analysis. Based on the available evidence, the clinical significance of this variant remains unclear.